The following is an entry in ClinVar:

NM_000260.4(MYO7A):c.1817G>C (p.Arg606Pro)

Gene: MYO7A (myosin VIIA; plus strand). Cytogenetic location: 11q13.5.
Variant type: single nucleotide variant.
Coding change: c.1817G>C on transcript NM_000260.4 (MANE Select); coding-DNA position 1817, G replaced by C.
Protein change: p.Arg606Pro; replaces arginine 606 with proline.
Molecular consequence: missense variant.
Genome position (GRCh38, 1-based): chr11:77,172,767, G>C. VCF-style: chr11-77172767-G-C. GRCh37 (hg19) VCF-style: chr11-76883813-G-C.
Other names: c.1817G>C, p.Arg606Pro (NM_001127180.2); c.1784G>C, p.Arg595Pro (NM_001369365.1); short protein forms R595P, R606P.
Identifiers: ClinVar variation 1446431 (VCV001446431.5), dbSNP rs782311929, ClinGen allele CA381938225.
Genomic context (GRCh38, chr11:77,172,767, plus strand): 5'-GCAGGCACAGCCCCTCCCATCGCTGCCGTCCGTCCCCCCAGGGCGCCGAGACCAGGAAGC[G>C]CTCGCCCACACTTAGCAGCCAGTTCAAGCGGTCACTGGAGCTGCTGATGCGCACGCTGGG-3'
Protein context (NP_000251.3, residues 596-616): DVAMGAETRK[Arg606Pro]SPTLSSQFKR

ClinVar aggregate classification (germline): Uncertain significance (1 of 4 stars; one submission).

gnomAD v4.1: 3 of 1,558,648 alleles (0.00019%); highest among the groups gnomAD compares: Non-Finnish European, 0.00026%; no homozygotes.

Submission:

Labcorp Genetics (formerly Invitae), Labcorp
Classification: Uncertain significance. Last evaluated: 2021-09-01. Review status: criteria provided, single submitter. Criteria: Invitae Variant Classification Sherloc (09022015). Collection method: clinical testing. Allele origin: germline.
Comment: This sequence change replaces arginine with proline at codon 606 of the MYO7A protein (p.Arg606Pro). The arginine residue is highly conserved and there is a moderate physicochemical difference between arginine and proline. This variant is not present in population databases (ExAC no frequency). This variant has not been reported in the literature in individuals affected with MYO7A-related conditions. Algorithms developed to predict the effect of missense changes on protein structure and function are either unavailable or do not agree on the potential impact of this missense change (SIFT: "Deleterious"; PolyPhen-2: "Probably Damaging"; Align-GVGD: "Class C0"). In summary, the available evidence is currently insufficient to determine the role of this variant in disease. Therefore, it has been classified as a Variant of Uncertain Significance.